The following is an entry in ClinVar:

NM_001146197.3(LRTM3):c.8229A>C (p.Ala2743=)

Gene: LRTM3 (leucine rich repeat transmembrane protein 3; minus strand). Cytogenetic location: 13q33.1.
Variant type: single nucleotide variant.
Coding change: c.8229A>C on transcript NM_001146197.3 (MANE Select); coding-DNA position 8229, A replaced by C.
Protein change: p.Ala2743=; no amino-acid change (alanine 2743 retained).
Molecular consequence: synonymous variant.
Genome position (GRCh38, 1-based): chr13:102,742,468, T>G on the plus strand (A>C on the coding strand, the complement: LRTM3 is on the minus strand). VCF-style: chr13-102742468-T-G. GRCh37 (hg19) VCF-style: chr13-103394818-T-G.
Identifiers: ClinVar variation 3388173 (VCV003388173.14).
Genomic context (GRCh38, chr13:102,742,468, plus strand): 5'-CAGCTCTTGCTGTTTCTTTGGCAGGGCAAATGTCTTGGGATCTGCCCTTGTTTTCCAGTC[T>G]GCAGTTTTAAATTCTTTCTTGTTTTCAATTTGAAGTGGATGTATCTTAGAGAAAAAAACA-3'
Protein context (NP_001139669.1, residues 2733-2753): QIENKKEFKT[Ala2743=]DWKTRADPKT

ClinVar aggregate classification (germline): Likely benign (1 of 4 stars; one submission).

gnomAD v4.1: 874 of 1,549,456 alleles (0.056%); highest among the groups gnomAD compares: Non-Finnish European, 0.07%; 1 homozygote.

Submission:

CeGaT Center for Human Genetics Tuebingen
Classification: Likely benign. Last evaluated: 2024-10-01. Review status: criteria provided, single submitter. Criteria: CeGaT Center For Human Genetics Tuebingen Variant Classification Criteria Version 2. Collection method: clinical testing. Allele origin: germline. Affected: yes. Observed: 1 variant allele.
Comment: LRTM3: BP4, BP7